The following is an entry in ClinVar:

NM_000168.6(GLI3):c.421C>T (p.His141Tyr)

Gene: GLI3 (GLI family zinc finger 3; minus strand). Cytogenetic location: 7p14.1.
Variant type: single nucleotide variant.
Coding change: c.421C>T on transcript NM_000168.6 (MANE Select); coding-DNA position 421, C replaced by T.
Protein change: p.His141Tyr; replaces histidine 141 with tyrosine.
Molecular consequence: missense variant.
Genome position (GRCh38, 1-based): chr7:42,076,804, G>A on the plus strand (C>T on the coding strand, the complement: GLI3 is on the minus strand). VCF-style: chr7-42076804-G-A. GRCh37 (hg19) VCF-style: chr7-42116403-G-A.
Other names: c.421C>T (NM_000168.5); short protein forms H141Y.
Identifiers: ClinVar variation 1701522 (VCV001701522.32), dbSNP rs1562716738, ClinGen allele CA367550035.

ClinVar aggregate classification (germline): Uncertain significance. Review status: criteria provided, multiple submitters, no conflicts (2 of 4 stars). 2 submissions from 2 submitters: Uncertain significance (2). Last evaluated 2025-10-27.

Conditions:
GLI3-related disorder. Also called: GLI3-related condition; GLI3-related disorders. Identifiers: MedGen CN239292.

Submissions (2):

PreventionGenetics, part of Exact Sciences
Classification: Uncertain significance for GLI3-related condition. Last evaluated: 2025-10-27. Review status: criteria provided, single submitter. Criteria: ACMG Guidelines, 2015. Collection method: clinical testing. Allele origin: germline.
Comment: The GLI3 c.421C>T variant is predicted to result in the amino acid substitution p.His141Tyr. To our knowledge, this variant has not been reported in the literature or in a large population database (gnomAD), indicating this variant is rare. At this time, the clinical significance of this variant is uncertain due to the absence of conclusive functional and genetic evidence.

CeGaT Center for Human Genetics Tuebingen
Classification: Uncertain significance. Last evaluated: 2022-09-01. Review status: criteria provided, single submitter. Criteria: CeGaT Center For Human Genetics Tuebingen Variant Classification Criteria Version 2. Collection method: clinical testing. Allele origin: germline. Affected: yes. Observed: 2 variant alleles.